The following is an entry in ClinVar:

NM_001035.3(RYR2):c.10399G>A (p.Val3467Ile)

Gene: RYR2 (ryanodine receptor 2; plus strand). Cytogenetic location: 1q43.
Variant type: single nucleotide variant.
Coding change: c.10399G>A on transcript NM_001035.3 (MANE Select); coding-DNA position 10399, G replaced by A.
Protein change: p.Val3467Ile; replaces valine 3467 with isoleucine.
Molecular consequence: missense variant.
Genome position (GRCh38, 1-based): chr1:237,717,273, G>A. VCF-style: chr1-237717273-G-A. GRCh37 (hg19) VCF-style: chr1-237880573-G-A.
Other names: short protein forms V3467I.
Identifiers: ClinVar variation 3072666 (VCV003072666.1), dbSNP rs2547452041, ClinGen allele CA345414459.

ClinVar aggregate classification (germline): Uncertain significance (1 of 4 stars; one submission).

Conditions:
Catecholaminergic polymorphic ventricular tachycardia (CVPT). Also called: Catecholamine-induced polymorphic ventricular tachycardia. Identifiers: Orphanet 3286, MedGen C5574922, MONDO:0017990.

Allele frequency attached by ClinVar (database versions not stated): gnomAD exomes below 0.00001.
gnomAD v4.1: 2 of 1,613,688 alleles (0.00012%); highest among the groups gnomAD compares: Non-Finnish European, 0.00017%; no homozygotes.

Submission:

All of Us Research Program, National Institutes of Health
Classification: Uncertain significance for Catecholaminergic polymorphic ventricular tachycardia. Last evaluated: 2023-08-15. Review status: criteria provided, single submitter. Criteria: ACMG Guidelines, 2015. Collection method: clinical testing. Allele origin: germline. Inheritance: Autosomal dominant inheritance. Observed: 1 variant allele, 1 heterozygote.
Comment: This missense variant replaces valine with isoleucine at codon 3467 of the RYR2 protein. Computational prediction suggests that this variant may not impact protein structure and function (internally defined REVEL score threshold <= 0.5, PMID: 27666373). To our knowledge, functional studies have not been reported for this variant. This variant has not been reported in individuals affected with RYR2-related disorders in the literature. This variant has not been identified in the general population by the Genome Aggregation Database (gnomAD). The available evidence is insufficient to determine the role of this variant in disease conclusively. Therefore, this variant is classified as a Variant of Uncertain Significance.

This study involves interpretation of variants in research participants for the purpose of population health screening. Participant phenotype was not available at the time of variant classification. Additional details can be found in publication PMID: 35346344, PMCID: PMC8962531